The following is an entry in ClinVar:

ClinVar aggregate classification (germline): Pathogenic (1 of 4 stars; one submission).

Conditions:
Angelman syndrome (AS). Also called: HAPPY PUPPET SYNDROME. Identifiers: Orphanet 72, MedGen C0162635, MONDO:0007113, OMIM 105830. Disease mechanism: loss of function. Inheritance: AS is caused by disruption of maternally imprinted UBE3A located within the 15q11.2-q13 Angelman syndrome/Prader-Willi syndrome (AS/PWS) region., imprinting disorder.

Submission:

Labcorp Genetics (formerly Invitae), Labcorp
Classification: Pathogenic for Angelman syndrome. Last evaluated: 2022-11-03. Review status: criteria provided, single submitter. Criteria: Invitae Variant Classification Sherloc (09022015). Collection method: clinical testing. Allele origin: germline.
Comment: A gross deletion of the genomic region encompassing the full coding sequence of the UBE3A gene has been identified. Loss-of-function variants in UBE3A are known to be pathogenic (PMID: 25212744). The boundaries of this event are unknown as they extend beyond the assayed region for this gene and therefore may encompass additional genes. Isolated whole-gene deletions of UBE3A have not been reported in the literature. However, larger copy number events that include this gene have been reported (PMID: 12210318, 18821858, 22190369, 25099823). For these reasons, this variant has been classified as Pathogenic.

Literature cited by the submitters: PubMed 25212744; PubMed 12210318; PubMed 18821858; PubMed 22190369; PubMed 25099823.

NC_000015.10:g.(?_24566038)_(25781223_?)del

Genes: ATP10A (ATPase phospholipid transporting 10A (putative); minus strand), IPW (imprinted in Prader-Willi syndrome; plus strand), LINC02250 (long independently transcribed non-coding RNA 2250; minus strand), NPAP1 (nuclear pore associated protein 1; plus strand), PWAR1 (Prader Willi/Angelman region RNA 1; plus strand) and 98 more. Cytogenetic location: 15q11.2-12.
Variant type: Deletion.
Identifiers: ClinVar variation 584203 (VCV000584203.3).